The following is an entry in ClinVar:

NM_001363118.2(SLC52A2):c.145T>C (p.Ser49Pro)

Gene: SLC52A2 (solute carrier family 52 member 2; plus strand). Cytogenetic location: 8q24.3.
Variant type: single nucleotide variant.
Coding change: c.145T>C on transcript NM_001363118.2 (MANE Select); coding-DNA position 145, T replaced by C.
Protein change: p.Ser49Pro; replaces serine 49 with proline.
Molecular consequence: missense variant. On other transcripts: non-coding transcript variant (1), intron variant (1).
Genome position (GRCh38, 1-based): chr8:144,359,637, T>C. VCF-style: chr8-144359637-T-C. GRCh37 (hg19) VCF-style: chr8-145583297-T-C.
Other names: c.145T>C, p.Ser49Pro (NM_001253815.2, NM_001253816.2, NM_001363120.2 and 2 more transcripts); c.130+214T>C (NM_001363122.2); short protein forms S49P.
Identifiers: ClinVar variation 1047525 (VCV001047525.5), dbSNP rs1818690648, ClinGen allele CA372626168.

ClinVar aggregate classification (germline): Uncertain significance (1 of 4 stars; one submission).

Conditions:
Brown-Vialetto-van Laere syndrome 2. Also called: Riboflavin transporter deficiency type 2; SPINOCEREBELLAR ATAXIA WITH BLINDNESS AND DEAFNESS 2. Identifiers: Orphanet 572543, Orphanet 97229, MedGen C3553538, MONDO:0013867, OMIM 614707.

Allele frequency attached by ClinVar (database versions not stated): gnomAD exomes below 0.00001.

Submission:

Labcorp Genetics (formerly Invitae), Labcorp
Classification: Uncertain significance for Brown-Vialetto-van Laere syndrome 2. Last evaluated: 2022-04-12. Review status: criteria provided, single submitter. Criteria: Invitae Variant Classification Sherloc (09022015). Collection method: clinical testing. Allele origin: germline.
Comment: In summary, the available evidence is currently insufficient to determine the role of this variant in disease. Therefore, it has been classified as a Variant of Uncertain Significance. Algorithms developed to predict the effect of missense changes on protein structure and function are either unavailable or do not agree on the potential impact of this missense change (SIFT: "Deleterious"; PolyPhen-2: "Possibly Damaging"; Align-GVGD: "Class C0"). ClinVar contains an entry for this variant (Variation ID: 1047525). This variant has not been reported in the literature in individuals affected with SLC52A2-related conditions. This variant is not present in population databases (gnomAD no frequency). This sequence change replaces serine, which is neutral and polar, with proline, which is neutral and non-polar, at codon 49 of the SLC52A2 protein (p.Ser49Pro).